The following is an entry in ClinVar:

NM_000441.2(SLC26A4):c.347G>A (p.Gly116Asp)

Gene: SLC26A4 (solute carrier family 26 member 4; plus strand). Cytogenetic location: 7q22.3.
Variant type: single nucleotide variant.
Coding change: c.347G>A on transcript NM_000441.2 (MANE Select); coding-DNA position 347, G replaced by A.
Protein change: p.Gly116Asp; replaces glycine 116 with aspartic acid.
Molecular consequence: missense variant.
Genome position (GRCh38, 1-based): chr7:107,672,180, G>A. VCF-style: chr7-107672180-G-A. GRCh37 (hg19) VCF-style: chr7-107312625-G-A.
Other names: short protein forms G116D.
Identifiers: ClinVar variation 1297681 (VCV001297681.9), dbSNP rs2129311246, ClinGen allele CA368847040.
Genomic context (GRCh38, chr7:107,672,180, plus strand): 5'-CTTTGCATGTGCTTTCAGGGATGGCATATGCCCTACTAGCTGCAGTTCCTGTCGGATATG[G>A]TCTCTACTCTGCTTTTTTCCCTATCCTGACATACTTTATCTTTGGAACATCAAGACATAT-3'
Protein context (NP_000432.1, residues 106-126): ALLAAVPVGY[Gly116Asp]LYSAFFPILT

ClinVar aggregate classification (germline): Likely pathogenic. Review status: criteria provided, single submitter (1 of 4 stars). 3 submissions from 3 submitters: Likely pathogenic (1). 2 of the submissions do not count toward it. Last evaluated 2021-10-31.

Submissions (3):

Labcorp Genetics (formerly Invitae), Labcorp
Classification: Likely pathogenic. Last evaluated: 2021-10-31. Review status: criteria provided, single submitter. Criteria: Invitae Variant Classification Sherloc (09022015). Collection method: clinical testing. Allele origin: germline.
Comment: In summary, the currently available evidence indicates that the variant is pathogenic, but additional data are needed to prove that conclusively. Therefore, this variant has been classified as Likely Pathogenic. This sequence change replaces glycine, which is neutral and non-polar, with aspartic acid, which is acidic and polar, at codon 116 of the SLC26A4 protein (p.Gly116Asp). This variant is not present in population databases (gnomAD no frequency). This missense change has been observed in individual(s) with SLC26A4-related conditions (PMID: 29871349). Advanced modeling of protein sequence and biophysical properties (such as structural, functional, and spatial information, amino acid conservation, physicochemical variation, residue mobility, and thermodynamic stability) performed at Invitae indicates that this missense variant is expected to disrupt SLC26A4 protein function. This variant disrupts the p.Gly116 amino acid residue in SLC26A4. Other variant(s) that disrupt this residue have been determined to be pathogenic (PMID: 25372295, 29871349, 32279305). This suggests that this residue is clinically significant, and that variants that disrupt this residue are likely to be disease-causing.

Clinical Genetics DNA and cytogenetics Diagnostics Lab, Erasmus MC, Erasmus Medical Center
Classification: Uncertain significance. Review status: no assertion criteria provided. Collection method: clinical testing. Allele origin: germline. Affected: yes. Study: VKGL Data-share Consensus. Not counted in ClinVar's aggregate classification.

Joint Genome Diagnostic Labs from Nijmegen and Maastricht, Radboudumc and MUMC+
Classification: Uncertain significance. Review status: no assertion criteria provided. Collection method: clinical testing. Allele origin: germline. Affected: yes. Study: VKGL Data-share Consensus. Not counted in ClinVar's aggregate classification.

Literature cited by the submitters: PubMed 29871349 (cited by Labcorp Genetics (formerly Invitae), Labcorp); PubMed 25372295 (cited by Labcorp Genetics (formerly Invitae), Labcorp); PubMed 32279305 (cited by Labcorp Genetics (formerly Invitae), Labcorp).